The following is an entry in ClinVar:

NM_000969.5(RPL5):c.583C>A (p.His195Asn)

Genes: DIPK1A (divergent protein kinase domain 1A; minus strand), RPL5 (ribosomal protein L5; plus strand). Cytogenetic location: 1p22.1.
Variant type: single nucleotide variant.
Coding change: c.583C>A on transcript NM_000969.5 (MANE Select); coding-DNA position 583, C replaced by A.
Protein change: p.His195Asn; replaces histidine 195 with asparagine.
Molecular consequence: missense variant. On other transcripts: non-coding transcript variant (1), intron variant (1).
Genome position (GRCh38, 1-based): chr1:92,837,511, C>A. VCF-style: chr1-92837511-C-A. GRCh37 (hg19) VCF-style: chr1-93303068-C-A.
Other names: c.475-4477G>T (NM_001252273.2); short protein forms H195N.
Identifiers: ClinVar variation 2073214 (VCV002073214.3), dbSNP rs1687175925, ClinGen allele CA341242882.
Genomic context (GRCh38, chr1:92,837,511, plus strand): 5'-TTTAGTACCAAACGATTCCCTGGTTATGATTCTGAAAGCAAGGAATTTAATGCAGAAGTA[C>A]ATCGGAAGCACATCATGGGCCAGAATGTTGCAGATTACATGCGCTACTTAATGGAAGAAG-3'
Protein context (NP_000960.2, residues 185-205): SESKEFNAEV[His195Asn]RKHIMGQNVA

ClinVar aggregate classification (germline): Uncertain significance (1 of 4 stars; one submission).

Conditions:
Diamond-Blackfan anemia. Also called: Blackfan Diamond syndrome; Aregenerative anemia chronic congenital; Red cell aplasia, pure hereditary; Congenital hypoplastic anemia; Aase syndrome. Identifiers: Orphanet 124, MedGen C1260899, MeSH D029503, MONDO:0015253, HP:0004810.

Submission:

Labcorp Genetics (formerly Invitae), Labcorp
Classification: Uncertain significance for Diamond-Blackfan anemia. Last evaluated: 2022-05-20. Review status: criteria provided, single submitter. Criteria: Invitae Variant Classification Sherloc (09022015). Collection method: clinical testing. Allele origin: germline.
Comment: In summary, the available evidence is currently insufficient to determine the role of this variant in disease. Therefore, it has been classified as a Variant of Uncertain Significance. This sequence change replaces histidine, which is basic and polar, with asparagine, which is neutral and polar, at codon 195 of the RPL5 protein (p.His195Asn). This variant is not present in population databases (gnomAD no frequency). This variant has not been reported in the literature in individuals affected with RPL5-related conditions. Algorithms developed to predict the effect of missense changes on protein structure and function are either unavailable or do not agree on the potential impact of this missense change (SIFT: "Tolerated"; PolyPhen-2: "Probably Damaging"; Align-GVGD: "Class C0").